The following is an entry in ClinVar:

NM_003738.5(PTCH2):c.1600G>A (p.Val534Met)

Gene: PTCH2 (patched 2; minus strand). Cytogenetic location: 1p34.1.
Variant type: single nucleotide variant.
Coding change: c.1600G>A on transcript NM_003738.5 (MANE Select); coding-DNA position 1600, G replaced by A.
Protein change: p.Val534Met; replaces valine 534 with methionine.
Molecular consequence: missense variant.
Genome position (GRCh38, 1-based): chr1:44,828,405, C>T on the plus strand (G>A on the coding strand, the complement: PTCH2 is on the minus strand). VCF-style: chr1-44828405-C-T. GRCh37 (hg19) VCF-style: chr1-45294077-C-T.
Other names: c.1600G>A, p.Val534Met (NM_001166292.2); short protein forms V534M.
Identifiers: ClinVar variation 4809514 (VCV004809514.1).

ClinVar aggregate classification (germline): Uncertain significance (1 of 4 stars; one submission).

Conditions:
Gorlin syndrome. Also called: Basal cell nevus syndrome; Nevoid Basal Cell Carcinoma Syndrome. Identifiers: Orphanet 377, MedGen C0004779, MONDO:0007187.

Submission:

Labcorp Genetics (formerly Invitae), Labcorp
Classification: Uncertain significance for Gorlin syndrome. Last evaluated: 2025-03-16. Review status: criteria provided, single submitter. Criteria: Invitae Variant Classification Sherloc (09022015). Collection method: clinical testing. Allele origin: germline.
Comment: This sequence change replaces valine, which is neutral and non-polar, with methionine, which is neutral and non-polar, at codon 534 of the PTCH2 protein (p.Val534Met). This variant is not present in population databases (gnomAD no frequency). This variant has not been reported in the literature in individuals affected with PTCH2-related conditions. Invitae Evidence Modeling of protein sequence and biophysical properties (such as structural, functional, and spatial information, amino acid conservation, physicochemical variation, residue mobility, and thermodynamic stability) has been performed for this missense variant. However, the output from this modeling did not meet the statistical confidence thresholds required to predict the impact of this variant on PTCH2 protein function. In summary, the available evidence is currently insufficient to determine the role of this variant in disease. Therefore, it has been classified as a Variant of Uncertain Significance.